The following is an entry in ClinVar:

NM_001134407.3(GRIN2A):c.4156C>T (p.Pro1386Ser)

Gene: GRIN2A (glutamate ionotropic receptor NMDA type subunit 2A; minus strand). Cytogenetic location: 16p13.2.
Variant type: single nucleotide variant.
Coding change: c.4156C>T on transcript NM_001134407.3 (MANE Select); coding-DNA position 4156, C replaced by T.
Protein change: p.Pro1386Ser; replaces proline 1386 with serine.
Molecular consequence: missense variant. On other transcripts: synonymous variant (1).
Genome position (GRCh38, 1-based): chr16:9,763,388, G>A on the plus strand (C>T on the coding strand, the complement: GRIN2A is on the minus strand). VCF-style: chr16-9763388-G-A. GRCh37 (hg19) VCF-style: chr16-9857245-G-A.
Other names: c.4156C>T, p.Pro1386Ser (NM_000833.5); c.3813C>T, p.Thr1271= (NM_001134408.2); short protein forms P1386S.
Identifiers: ClinVar variation 3637273 (VCV003637273.2).

ClinVar aggregate classification (germline): Uncertain significance (1 of 4 stars; one submission).

Conditions:
Landau-Kleffner syndrome (FESD). Also called: EPILEPSY, FOCAL, WITH SPEECH DISORDER AND WITH OR WITHOUT MENTAL RETARDATION; APHASIA, ACQUIRED, WITH EPILEPSY. Identifiers: Orphanet 1945, Orphanet 725, Orphanet 98818, MedGen C0282512, MONDO:0009509, OMIM 245570.

gnomAD v4.1: 1 of 1,614,144 alleles (0.000062%); highest among the groups gnomAD compares: Non-Finnish European, 0.000085%; no homozygotes.

Submission:

Labcorp Genetics (formerly Invitae), Labcorp
Classification: Uncertain significance for Landau-Kleffner syndrome. Last evaluated: 2024-08-06. Review status: criteria provided, single submitter. Criteria: Invitae Variant Classification Sherloc (09022015). Collection method: clinical testing. Allele origin: germline.
Comment: This sequence change replaces proline, which is neutral and non-polar, with serine, which is neutral and polar, at codon 1386 of the GRIN2A protein (p.Pro1386Ser). This variant is not present in population databases (gnomAD no frequency). This variant has not been reported in the literature in individuals affected with GRIN2A-related conditions. Advanced modeling of protein sequence and biophysical properties (such as structural, functional, and spatial information, amino acid conservation, physicochemical variation, residue mobility, and thermodynamic stability) performed at Invitae indicates that this missense variant is not expected to disrupt GRIN2A protein function with a negative predictive value of 95%. In summary, the available evidence is currently insufficient to determine the role of this variant in disease. Therefore, it has been classified as a Variant of Uncertain Significance.